The following is an entry in ClinVar:

ClinVar aggregate classification (germline): Uncertain significance (3 of 4 stars; one submission).

Conditions:
Open-angle glaucoma. Identifiers: MedGen C0017612, MONDO:0005338, HP:0012108.

Allele frequency attached by ClinVar (database versions not stated): gnomAD exomes 0.00001.
gnomAD v4.1: 19 of 1,614,184 alleles (0.0012%); highest among the groups gnomAD compares: Non-Finnish European, 0.0016%; no homozygotes.

Submission:

ClinGen Glaucoma Variant Curation Expert Panel
Classification: Uncertain significance for Open-angle glaucoma. Last evaluated: 2026-01-12. Review status: reviewed by expert panel. Criteria: ClinGen Glaucoma ACMG Specifications V2.0.0 Approved. Collection method: curation. Allele origin: germline. Inheritance: Autosomal dominant inheritance.
Comment: The c.1339G>A variant in MYOC is a missense variant predicted to cause substitution of Alanine by Threonine at amino acid 447 (p.Ala447Thr). The highest minor allele frequency of this variant was in the European (non-Finnish) genetic ancestry group of gnomAD (v4.1.0) = 0.0000161 (19 alleles out of 1,180,028), which met the ≤ 0.0001 threshold set for PM2_Supporting in a genetic ancestry group of at least 10,000 alleles. The REVEL score = 0.254, which is within the 0.184-0.290 range for BP4, suggesting that the variant does not impact MYOC function. There was no functional evidence predicting a damaging or benign impact of this variant on MYOC function. Only 1 proband with primary open angle glaucoma had been reported (PMID: 23453510), not meeting the ≥ 2 probands threshold required to meet PS4_Supporting. In summary, this variant met the criteria to receive a score of 0 and to be classified as a variant of uncertain significance (uncertain significance classification range -1 to 5, adapted from PMID: 32720330) for primary open angle glaucoma based on the ACMG/AMP criteria met, as specified by the ClinGen Glaucoma VCEP (v2.0.0, 5 Dec 2024): PM2_Supporting, BP4

NM_000261.2(MYOC):c.1339G>A (p.Ala447Thr)

Gene: MYOC (myocilin; minus strand). Cytogenetic location: 1q24.3.
Variant type: single nucleotide variant.
Coding change: c.1339G>A on transcript NM_000261.2 (MANE Select); coding-DNA position 1339, G replaced by A.
Protein change: p.Ala447Thr; replaces alanine 447 with threonine.
Molecular consequence: missense variant.
Genome position (GRCh38, 1-based): chr1:171,636,101, C>T on the plus strand (G>A on the coding strand, the complement: MYOC is on the minus strand). VCF-style: chr1-171636101-C-T. GRCh37 (hg19) VCF-style: chr1-171605241-C-T.
Other names: NM_000261.2:c.1339G>A; short protein forms A447T.
Identifiers: ClinVar variation 2498116 (VCV002498116.2), dbSNP rs2527838349, ClinGen allele CA343723686.